The following is an entry in ClinVar:

NM_020987.5(ANK3):c.9310C>A (p.Gln3104Lys)

Gene: ANK3 (ankyrin 3; minus strand). Cytogenetic location: 10q21.2.
Variant type: single nucleotide variant.
Coding change: c.9310C>A on transcript NM_020987.5 (MANE Select); coding-DNA position 9310, C replaced by A.
Protein change: p.Gln3104Lys; replaces glutamine 3104 with lysine.
Molecular consequence: missense variant. On other transcripts: intron variant (4).
Genome position (GRCh38, 1-based): chr10:60,071,571, G>T on the plus strand (C>A on the coding strand, the complement: ANK3 is on the minus strand). VCF-style: chr10-60071571-G-T. GRCh37 (hg19) VCF-style: chr10-61831329-G-T.
Other names: c.4388-3562C>A (NM_001204403.2); c.4409-3562C>A (NM_001204404.2); c.4406-3562C>A (NM_001320874.2); c.1808-3562C>A (NM_001149.4); short protein forms Q3104K.
Identifiers: ClinVar variation 2086908 (VCV002086908.4), dbSNP rs768749795, ClinGen allele CA5511404.

ClinVar aggregate classification (germline): Uncertain significance (1 of 4 stars; one submission).

Allele frequency attached by ClinVar (database versions not stated): gnomAD exomes 0.00001; ExAC 0.00002.
gnomAD v4.1: 6 of 1,613,736 alleles (0.00037%); highest among the groups gnomAD compares: Admixed American, 0.01%; no homozygotes.

Submission:

Labcorp Genetics (formerly Invitae), Labcorp
Classification: Uncertain significance. Last evaluated: 2022-05-22. Review status: criteria provided, single submitter. Criteria: Invitae Variant Classification Sherloc (09022015). Collection method: clinical testing. Allele origin: germline.
Comment: This variant is present in population databases (rs768749795, gnomAD 0.02%). This sequence change replaces glutamine, which is neutral and polar, with lysine, which is basic and polar, at codon 3104 of the ANK3 protein (p.Gln3104Lys). This variant has not been reported in the literature in individuals affected with ANK3-related conditions. In summary, the available evidence is currently insufficient to determine the role of this variant in disease. Therefore, it has been classified as a Variant of Uncertain Significance. Algorithms developed to predict the effect of missense changes on protein structure and function are either unavailable or do not agree on the potential impact of this missense change (SIFT: "Not Available"; PolyPhen-2: "Possibly Damaging"; Align-GVGD: "Not Available").